The following is an entry in ClinVar:

ClinVar aggregate classification (germline): Uncertain significance. Review status: criteria provided, multiple submitters, no conflicts (2 of 4 stars). 4 submissions from 4 submitters: Uncertain significance (4). Last evaluated 2025-01-23.

Conditions:
Inborn genetic diseases. Identifiers: MedGen C0950123, MeSH D030342.
Fanconi anemia (FA). Also called: Fanconi's anemia. Identifiers: Orphanet 84, MedGen C0015625, MeSH D005199, MONDO:0019391.

gnomAD v4.1: 3 of 1,613,770 alleles (0.00019%); highest among the groups gnomAD compares: Non-Finnish European, 0.00025%; no homozygotes.

Submissions (4):

Ambry Genetics
Classification: Uncertain significance for Inborn genetic diseases. Last evaluated: 2025-01-23. Review status: criteria provided, single submitter. Criteria: Ambry Variant Classification Scheme 2023. Collection method: clinical testing. Allele origin: germline.
Comment: The p.N1628K variant (also known as c.4884C>A), located in coding exon 20 of the FANCM gene, results from a C to A substitution at nucleotide position 4884. The asparagine at codon 1628 is replaced by lysine, an amino acid with similar properties. This amino acid position is conserved. In addition, this alteration is predicted to be tolerated by in silico analysis. Based on the available evidence, the clinical significance of this variant remains unclear.

Quest Diagnostics Nichols Institute San Juan Capistrano
Classification: Uncertain significance. Last evaluated: 2024-04-30. Review status: criteria provided, single submitter. Criteria: Quest Diagnostics criteria. Collection method: clinical testing. Allele origin: unknown.
Comment: The FANCM c.4884C>A (p.Asn1628Lys) variant has not been reported in individuals with FANCM-related conditions in the published literature. It also has not been reported in large, multi-ethnic general populations (Genome Aggregation Database). Analysis of this variant using bioinformatics tools for the prediction of the effect of amino acid changes on protein structure and function yielded predictions that this variant is benign. Based on the available information, we are unable to determine the clinical significance of this variant.

GeneDx
Classification: Uncertain significance. Last evaluated: 2024-02-02. Review status: criteria provided, single submitter. Criteria: GeneDx Variant Classification Process June 2021. Collection method: clinical testing. Allele origin: germline. Affected: yes.
Comment: Not observed at significant frequency in large population cohorts (gnomAD); In silico analysis supports that this missense variant has a deleterious effect on protein structure/function; Has not been previously published as pathogenic or benign to our knowledge

Labcorp Genetics (formerly Invitae), Labcorp
Classification: Uncertain significance for Fanconi anemia. Last evaluated: 2020-12-09. Review status: criteria provided, single submitter. Criteria: Invitae Variant Classification Sherloc (09022015). Collection method: clinical testing. Allele origin: germline.
Comment: In summary, the available evidence is currently insufficient to determine the role of this variant in disease. Therefore, it has been classified as a Variant of Uncertain Significance. Algorithms developed to predict the effect of missense changes on protein structure and function are either unavailable or do not agree on the potential impact of this missense change (SIFT: "Tolerated"; PolyPhen-2: "Possibly Damaging"; Align-GVGD: "Class C0"). This variant has not been reported in the literature in individuals with FANCM-related disease. This variant is not present in population databases (ExAC no frequency). This sequence change replaces asparagine with lysine at codon 1628 of the FANCM protein (p.Asn1628Lys). The asparagine residue is moderately conserved and there is a moderate physicochemical difference between asparagine and lysine.

NM_020937.4(FANCM):c.4884C>A (p.Asn1628Lys)

Gene: FANCM (FA complementation group M; plus strand). Cytogenetic location: 14q21.2.
Variant type: single nucleotide variant.
Coding change: c.4884C>A on transcript NM_020937.4 (MANE Select); coding-DNA position 4884, C replaced by A.
Protein change: p.Asn1628Lys; replaces asparagine 1628 with lysine.
Molecular consequence: missense variant.
Genome position (GRCh38, 1-based): chr14:45,188,906, C>A. VCF-style: chr14-45188906-C-A. GRCh37 (hg19) VCF-style: chr14-45658109-C-A.
Other names: c.4884C>A (NM_020937.3, LRG_502t1); c.4806C>A, p.Asn1602Lys (NM_001308133.2); short protein forms N1628K, N1602K.
Identifiers: ClinVar variation 653502 (VCV000653502.12), dbSNP rs1594814788, ClinGen allele CA389611328.